The following is an entry in ClinVar:

NM_024757.5(EHMT1):c.419C>G (p.Thr140Ser)

Gene: EHMT1 (euchromatic histone lysine methyltransferase 1; plus strand). Cytogenetic location: 9q34.3.
Variant type: single nucleotide variant.
Coding change: c.419C>G on transcript NM_024757.5 (MANE Select); coding-DNA position 419, C replaced by G.
Protein change: p.Thr140Ser; replaces threonine 140 with serine.
Molecular consequence: missense variant.
Genome position (GRCh38, 1-based): chr9:137,716,959, C>G. VCF-style: chr9-137716959-C-G. GRCh37 (hg19) VCF-style: chr9-140611411-C-G.
Other names: c.419C>G, p.Thr140Ser (NM_001145527.2, NM_001354263.2, NM_001354611.2); c.326C>G, p.Thr109Ser (NM_001354259.2, NM_001354612.2); short protein forms T140S, T109S.
Identifiers: ClinVar variation 2097159 (VCV002097159.4), dbSNP rs1945381132, ClinGen allele CA375765015.

ClinVar aggregate classification (germline): Uncertain significance (1 of 4 stars; one submission).

Conditions:
Kleefstra syndrome 1 (KLEFS1). Identifiers: Orphanet 261494, MedGen C0795833, MONDO:0027407, OMIM 610253.

Allele frequency attached by ClinVar (database versions not stated): TOPMed below 0.00001.

Submission:

Labcorp Genetics (formerly Invitae), Labcorp
Classification: Uncertain significance for Kleefstra syndrome 1. Last evaluated: 2022-02-12. Review status: criteria provided, single submitter. Criteria: Invitae Variant Classification Sherloc (09022015). Collection method: clinical testing. Allele origin: germline.
Comment: This variant has not been reported in the literature in individuals affected with EHMT1-related conditions. This variant is not present in population databases (gnomAD no frequency). This sequence change replaces threonine, which is neutral and polar, with serine, which is neutral and polar, at codon 140 of the EHMT1 protein (p.Thr140Ser). Algorithms developed to predict the effect of missense changes on protein structure and function output the following: SIFT: "Tolerated"; PolyPhen-2: "Benign"; Align-GVGD: "Class C0". The serine amino acid residue is found in multiple mammalian species, which suggests that this missense change does not adversely affect protein function. In summary, the available evidence is currently insufficient to determine the role of this variant in disease. Therefore, it has been classified as a Variant of Uncertain Significance.